The following is an entry in ClinVar:

NM_004991.4(MECOM):c.3012C>A (p.Asn1004Lys)

Gene: MECOM (MDS1 and EVI1 complex locus; minus strand). Cytogenetic location: 3q26.2.
Variant type: single nucleotide variant.
Coding change: c.3012C>A on transcript NM_004991.4 (MANE Select); coding-DNA position 3012, C replaced by A.
Protein change: p.Asn1004Lys; replaces asparagine 1004 with lysine.
Molecular consequence: missense variant.
Genome position (GRCh38, 1-based): chr3:169,095,083, G>T on the plus strand (C>A on the coding strand, the complement: MECOM is on the minus strand). VCF-style: chr3-169095083-G-T. GRCh37 (hg19) VCF-style: chr3-168812871-G-T.
Other names: c.2643C>A, p.Asn881Lys (NM_001105077.4); c.2448C>A, p.Asn816Lys (NM_001105078.4, NM_001205194.2, NM_001366469.2 and 1 more transcripts); c.2424C>A, p.Asn808Lys (NM_001163999.2, NM_001366470.2); c.2421C>A, p.Asn807Lys (NM_001164000.2, NM_001366471.2, NM_001366472.2); c.2985C>A, p.Asn995Lys (NM_001366466.2); c.2451C>A, p.Asn817Lys (NM_001366467.2, NM_001366468.2); c.2013C>A, p.Asn671Lys (NM_001366473.2); c.1449C>A, p.Asn483Lys (NM_001366474.2); and 1 more; short protein forms N1004K, N483K, N671K, N807K, N881K, N995K, N808K, N816K.
Identifiers: ClinVar variation 2692802 (VCV002692802.4), dbSNP rs116736168, ClinGen allele CA355073218.

ClinVar aggregate classification (germline): Uncertain significance. Review status: criteria provided, multiple submitters, no conflicts (2 of 4 stars). 2 submissions from 2 submitters: Uncertain significance (2). Last evaluated 2025-06-02.

Conditions:
Inborn genetic diseases. Identifiers: MedGen C0950123, MeSH D030342.

gnomAD v4.1: 1 of 1,604,080 alleles (0.000062%); highest among the groups gnomAD compares: South Asian, 0.0011%; no homozygotes.

Submissions (2):

Ambry Genetics
Classification: Uncertain significance for Inborn genetic diseases. Last evaluated: 2025-06-02. Review status: criteria provided, single submitter. Criteria: Ambry Variant Classification Scheme 2023. Collection method: clinical testing. Allele origin: germline.
Comment: The p.N1004K variant (also known as c.3012C>A), located in coding exon 13 of the MECOM gene, results from a C to A substitution at nucleotide position 3012. The asparagine at codon 1004 is replaced by lysine, an amino acid with similar properties. This amino acid position is conserved. In addition, this alteration is predicted to be tolerated by in silico analysis. Based on the available evidence, the clinical significance of this variant remains unclear.

Labcorp Genetics (formerly Invitae), Labcorp
Classification: Uncertain significance. Last evaluated: 2023-11-02. Review status: criteria provided, single submitter. Criteria: Invitae Variant Classification Sherloc (09022015). Collection method: clinical testing. Allele origin: germline.
Comment: This sequence change replaces asparagine, which is neutral and polar, with lysine, which is basic and polar, at codon 816 of the MECOM protein (p.Asn816Lys). This variant is not present in population databases (gnomAD no frequency). This variant has not been reported in the literature in individuals affected with MECOM-related conditions. An algorithm developed to predict the effect of missense changes on protein structure and function (PolyPhen-2) suggests that this variant is likely to be tolerated. In summary, the available evidence is currently insufficient to determine the role of this variant in disease. Therefore, it has been classified as a Variant of Uncertain Significance.